The following is an entry in ClinVar:

NM_015702.3(MMADHC):c.646C>G (p.Arg216Gly)

Gene: MMADHC (metabolism of cobalamin associated D; minus strand). Cytogenetic location: 2q23.2.
Variant type: single nucleotide variant.
Coding change: c.646C>G on transcript NM_015702.3 (MANE Select); coding-DNA position 646, C replaced by G.
Protein change: p.Arg216Gly; replaces arginine 216 with glycine.
Molecular consequence: missense variant.
Genome position (GRCh38, 1-based): chr2:149,571,135, G>C on the plus strand (C>G on the coding strand, the complement: MMADHC is on the minus strand). VCF-style: chr2-149571135-G-C. GRCh37 (hg19) VCF-style: chr2-150427649-G-C.
Other names: p.R216G:CGA>GGA; p.Arg216Gly; short protein forms R216G.
Identifiers: ClinVar variation 203837 (VCV000203837.66), dbSNP rs141093638, ClinGen allele CA312745.

ClinVar aggregate classification (germline): Conflicting classifications of pathogenicity. Review status: criteria provided, conflicting classifications (1 of 4 stars). 10 submissions from 9 submitters: Uncertain significance (2); Likely benign (6). 2 of the submissions do not count toward it. Last evaluated 2026-01-25.

Conditions:
MMADHC-related disorder. Also called: MMADHC-related condition.
Disorders of Intracellular Cobalamin Metabolism. Identifiers: MedGen CN043592.
Methylmalonic aciduria and homocystinuria type cblD (MAHCD). Also called: METHYLMALONIC ACIDEMIA, cblH TYPE; Methylmalonic aciduria with homocystinuria cblD type. Identifiers: Orphanet 622, Orphanet 79283, MedGen C1848552, MONDO:0010185, OMIM 277410.

Allele frequency attached by ClinVar (database versions not stated): ESP Exome Variant Server 0.00092; 1000 Genomes Project 30x 0.00094; TOPMed 0.00113; 1000 Genomes Project 0.00120; gnomAD exomes 0.00162; gnomAD 0.00181; ExAC 0.00192.
gnomAD v4.1: 2,616 of 1,612,120 alleles (0.16%); highest among the groups gnomAD compares: Non-Finnish European, 0.17%; 10 homozygotes.

Submissions (10):

Labcorp Genetics (formerly Invitae), Labcorp
Classification: Likely benign for Methylmalonic aciduria and homocystinuria type cblD. Last evaluated: 2026-01-25. Review status: criteria provided, single submitter. Criteria: Invitae Variant Classification Sherloc (09022015). Collection method: clinical testing. Allele origin: germline.

CeGaT Center for Human Genetics Tuebingen
Classification: Likely benign. Last evaluated: 2024-12-01. Review status: criteria provided, single submitter. Criteria: CeGaT Center For Human Genetics Tuebingen Variant Classification Criteria Version 2. Collection method: clinical testing. Allele origin: germline. Affected: yes. Observed: 3 variant alleles.
Comment: MMADHC: BS2

Blueprint Genetics
Classification: Likely benign. Last evaluated: 2024-11-13. Review status: criteria provided, single submitter. Criteria: ACMG Guidelines, 2015. Collection method: clinical testing. Allele origin: germline.

Mayo Clinic Laboratories, Mayo Clinic
Classification: Likely benign. Last evaluated: 2024-10-01. Review status: criteria provided, single submitter. Criteria: ACMG Guidelines, 2015. Collection method: clinical testing. Allele origin: germline. Observed: 1 variant allele.
Comment: BS1, BS2

Illumina Laboratory Services, Illumina
Classification: Likely benign for Disorders of Intracellular Cobalamin Metabolism. Last evaluated: 2018-01-12. Review status: criteria provided, single submitter. Criteria: ICSL Variant Classification Criteria 13 December 2019. Collection method: clinical testing. Allele origin: germline.
Comment: This variant was observed in the ICSL laboratory as part of a predisposition screen in an ostensibly healthy population. It had not been previously curated by ICSL or reported in the Human Gene Mutation Database (HGMD: prior to June 1st, 2018), and was therefore a candidate for classification through an automated scoring system. Utilizing variant allele frequency, disease prevalence and penetrance estimates, and inheritance mode, an automated score was calculated to assess if this variant is too frequent to cause the disease. Based on the score and internal cut-off values, a variant classified as likely benign is not then subjected to further curation. The score for this variant resulted in a classification of likely benign for this disease.

Illumina Laboratory Services, Illumina
Classification: Uncertain significance for Methylmalonic aciduria and homocystinuria type cblD. Last evaluated: 2018-01-12. Review status: criteria provided, single submitter. Criteria: ICSL Variant Classification Criteria 13 December 2019. Collection method: clinical testing. Allele origin: germline.

Eurofins Ntd Llc (ga)
Classification: Likely benign. Last evaluated: 2017-05-30. Review status: criteria provided, single submitter. Criteria: EGL Classification Definitions 2015. Collection method: clinical testing. Allele origin: germline. Observed: 1 variant allele, 1 heterozygote.

GeneDx
Classification: Uncertain significance. Last evaluated: 2017-02-15. Review status: criteria provided, single submitter. Criteria: GeneDx Variant Classification (06012015). Collection method: clinical testing. Allele origin: germline. Affected: yes.
Comment: The R216G variant in the MMADHC gene has not been published as a mutation, nor has it been reported as a benign polymorphism to our knowledge. The R216G variant was not observed at any significant frequency in approximately 6,500 individuals of European and African American ancestry in the NHLBI Exome Sequencing Project, indicating it is not a common benign variant in these populations. The R216G variant is a non-conservative amino acid substitution, which occurs at a position that is conserved in mammals. In silico analysis is inconsistent in its predictions as to whether or not the variant is damaging to the protein structure/function. We interpret R216G as a variant of unknown significance.

PreventionGenetics, part of Exact Sciences
Classification: Likely benign for MMADHC-related condition. Last evaluated: 2024-03-11. Review status: no assertion criteria provided. Collection method: clinical testing. Allele origin: germline. Not counted in ClinVar's aggregate classification.
Comment: This variant is classified as likely benign based on ACMG/AMP sequence variant interpretation guidelines (Richards et al. 2015 PMID: 25741868, with internal and published modifications).

Natera, Inc.
Classification: Benign for Methylmalonic aciduria with homocystinuria cblD type. Last evaluated: 2019-11-11. Review status: no assertion criteria provided. Collection method: clinical testing. Allele origin: germline. Not counted in ClinVar's aggregate classification.